The following is an entry in ClinVar:

NM_004168.4(SDHA):c.1028T>C (p.Val343Ala)

Gene: SDHA (succinate dehydrogenase complex flavoprotein subunit A; plus strand). Cytogenetic location: 5p15.33.
Variant type: single nucleotide variant.
Coding change: c.1028T>C on transcript NM_004168.4 (MANE Select); coding-DNA position 1028, T replaced by C.
Protein change: p.Val343Ala; replaces valine 343 with alanine.
Molecular consequence: missense variant.
Genome position (GRCh38, 1-based): chr5:233,609, T>C. VCF-style: chr5-233609-T-C. GRCh37 (hg19) VCF-style: chr5-233724-T-C.
Other names: c.884T>C, p.Val295Ala (NM_001294332.2); c.1028T>C, p.Val343Ala (NM_001330758.2); short protein forms V295A, V343A.
Identifiers: ClinVar variation 2007284 (VCV002007284.4), dbSNP rs1218116319, ClinGen allele CA359012918.

ClinVar aggregate classification (germline): Uncertain significance (1 of 4 stars; one submission).

Conditions:
Pheochromocytoma/paraganglioma syndrome 5. Also called: Paragangliomas 5; SDHA-Related Hereditary Paraganglioma-Pheochromocytoma Syndrome. Identifiers: Orphanet 29072, MedGen C3279992, MONDO:0013602, OMIM 614165.
Mitochondrial complex II deficiency, nuclear type 1. Also called: SUCCINATE CoQ REDUCTASE DEFICIENCY. Identifiers: Orphanet 3208, MedGen C5700310, MONDO:0100294, OMIM 252011.

Submission:

Labcorp Genetics (formerly Invitae), Labcorp
Classification: Uncertain significance for Pheochromocytoma/paraganglioma syndrome 5; Mitochondrial complex II deficiency, nuclear type 1. Last evaluated: 2023-01-29. Review status: criteria provided, single submitter. Criteria: Invitae Variant Classification Sherloc (09022015). Collection method: clinical testing. Allele origin: germline.
Comment: In summary, the available evidence is currently insufficient to determine the role of this variant in disease. Therefore, it has been classified as a Variant of Uncertain Significance. Advanced modeling of protein sequence and biophysical properties (such as structural, functional, and spatial information, amino acid conservation, physicochemical variation, residue mobility, and thermodynamic stability) performed at Invitae indicates that this missense variant is not expected to disrupt SDHA protein function. This variant has not been reported in the literature in individuals affected with SDHA-related conditions. This variant is not present in population databases (gnomAD no frequency). This sequence change replaces valine, which is neutral and non-polar, with alanine, which is neutral and non-polar, at codon 343 of the SDHA protein (p.Val343Ala).